The following is an entry in ClinVar:

ClinVar aggregate classification (germline): Conflicting classifications of pathogenicity. Review status: criteria provided, conflicting classifications (1 of 4 stars). 2 submissions from 2 submitters: Likely pathogenic (1); Uncertain significance (1). Last evaluated 2025-10-22.

Conditions:
Mitochondrial DNA depletion syndrome, encephalomyopathic form with methylmalonic aciduria (MTDPS5). Also called: SUCLA2-Related Mitochondrial DNA Depletion Syndrome, Encephalomyopathic Form with Methylmalonic Aciduria; Mitochondrial encephalomyopathy aminoacidopathy; Mitochondrial DNA depletion syndrome 5 (encephalomyopathic with or without methylmalonic aciduria); MITOCHONDRIAL DNA DEPLETION SYNDROME, ENCEPHALOMYOPATHIC FORM, WITH OR WITHOUT METHYLMALONIC ACIDURIA, AUTOSOMAL RECESSIVE, SUCLA2-RELATED. Identifiers: Orphanet 1933, MedGen C5980207, MONDO:0012791, OMIM 612073.

Submissions (2):

Women's Health and Genetics/Laboratory Corporation of America, LabCorp
Classification: Likely pathogenic for Mitochondrial DNA depletion syndrome, encephalomyopathic form with methylmalonic aciduria. Last evaluated: 2025-10-22. Review status: criteria provided, single submitter. Criteria: LabCorp Variant Classification Summary - May 2015. Collection method: clinical testing. Allele origin: germline.
Comment: Variant summary: SUCLA2 c.370T>C (p.Ser124Pro) results in a non-conservative amino acid change in the encoded protein sequence. Algorithms developed to predict the effect of missense changes on protein structure and function all suggest that this variant is likely to be disruptive. Consensus agreement among computation tools predict no significant impact on normal splicing. However, these predictions have yet to be confirmed by functional studies. The variant was absent in 250790 control chromosomes. c.370T>C has been observed in homozygous individual affected with Mitochondrial DNA Depletion Syndrome (Issa_2020, Olimpio_2024). These data indicate that the variant is likely to be associated with disease. To our knowledge, no experimental evidence demonstrating an impact on protein function has been reported. The following publications have been ascertained in the context of this evaluation (PMID: 32404165, 38759022). ClinVar contains an entry for this variant (Variation ID: 1526031). Based on the evidence outlined above, the variant was classified as likely pathogenic.

3billion
Classification: Uncertain significance for Mitochondrial DNA depletion syndrome, encephalomyopathic form with methylmalonic aciduria. Last evaluated: 2022-03-22. Review status: criteria provided, single submitter. Criteria: ACMG Guidelines, 2015. Collection method: clinical testing. Allele origin: germline. Affected: yes. Observed: 1 homozygote.
Comment: Same or different nucleotide change resulting in same amino acid change has been previously reported to be associated with SUCLA2 related disorder (PMID:32404165). In silico tool predictions suggest damaging effect of the variant on gene or gene product(REVEL: 0.907>=0.6). A missense variant is a common mechanism associated with Mitochondrial DNA depletion syndrome 5. It is not observed in the gnomAD v2.1.1 dataset. Therefore, this variant is classified as uncertain significance according to the recommendation of ACMG/AMP guideline.

Literature cited by the submitters: PubMed 32404165 (cited by Women's Health and Genetics/Laboratory Corporation of America, LabCorp and 3billion); PubMed 38759022 (cited by Women's Health and Genetics/Laboratory Corporation of America, LabCorp).

NM_003850.3(SUCLA2):c.370T>C (p.Ser124Pro)

Gene: SUCLA2 (succinate-CoA ligase ADP-forming subunit beta; minus strand). Cytogenetic location: 13q14.2.
Variant type: single nucleotide variant.
Coding change: c.370T>C on transcript NM_003850.3 (MANE Select); coding-DNA position 370, T replaced by C.
Protein change: p.Ser124Pro; replaces serine 124 with proline.
Molecular consequence: missense variant.
Genome position (GRCh38, 1-based): chr13:47,988,883, A>G on the plus strand (T>C on the coding strand, the complement: SUCLA2 is on the minus strand). VCF-style: chr13-47988883-A-G. GRCh37 (hg19) VCF-style: chr13-48563018-A-G.
Other names: short protein forms S124P.
Identifiers: ClinVar variation 1526031 (VCV001526031.2), dbSNP rs2137743400, ClinGen allele CA388151210.
Genomic context (GRCh38, chr13:47,988,883, plus strand): 5'-TAAGTAATCTTTAATCAGTCTTTAACAAGGATGATTTTTCCTTAAAAAATGTGACTTACG[A>G]GAAAACTATCTTCACTCCTCCTTTGAGGCCACTTTCAAATGTTCCTTTTCCTCTACCACC-3'
Protein context (NP_003841.1, residues 114-134): GLKGGVKIVF[Ser124Pro]PEEAKAVSSQ